The following is an entry in ClinVar:

ClinVar aggregate classification (germline): Likely benign. Review status: criteria provided, multiple submitters, no conflicts (2 of 4 stars). 3 submissions from 3 submitters: Likely benign (3). Last evaluated 2025-12-09.

Conditions:
PLOD1-related disorder. Also called: PLOD1-related condition.
Familial thoracic aortic aneurysm and aortic dissection (TAAD). Also called: Thoracic aortic aneurysms and dissections. Identifiers: Orphanet 91387, MedGen C4707243, MONDO:0019625.
Ehlers-Danlos syndrome, kyphoscoliotic type 1 (EDSKSCL1). Also called: EHLERS-DANLOS SYNDROME, TYPE VIA; EHLERS-DANLOS SYNDROME, OCULAR-SCOLIOTIC TYPE; Ehlers-Danlos syndrome, hydroxylysine-deficient; PLOD1-Related Kyphoscoliotic Ehlers-Danlos Syndrome. Identifiers: Orphanet 1900, MedGen C0268342, MONDO:0016002, OMIM 225400. Disease mechanism: loss of function.

Allele frequency attached by ClinVar (database versions not stated): ExAC 0.00003; TOPMed 0.00011; ESP Exome Variant Server 0.00015; gnomAD 0.00015.
gnomAD v4.1: 32 of 1,614,032 alleles (0.002%); highest among the groups gnomAD compares: African/African-American, 0.04%; no homozygotes.

Submissions (3):

PreventionGenetics, part of Exact Sciences
Classification: Likely benign for PLOD1-related condition. Last evaluated: 2025-12-09. Review status: criteria provided, single submitter. Criteria: ACMG Guidelines, 2015. Collection method: clinical testing. Allele origin: germline.
Comment: This variant is classified as likely benign based on ACMG/AMP sequence variant interpretation guidelines (Richards et al. 2015 PMID: 25741868, with internal and published modifications).

Labcorp Genetics (formerly Invitae), Labcorp
Classification: Likely benign for Ehlers-Danlos syndrome, kyphoscoliotic type 1. Last evaluated: 2024-03-14. Review status: criteria provided, single submitter. Criteria: Invitae Variant Classification Sherloc (09022015). Collection method: clinical testing. Allele origin: germline.

Ambry Genetics
Classification: Likely benign for Familial thoracic aortic aneurysm and aortic dissection. Last evaluated: 2022-10-09. Review status: criteria provided, single submitter. Criteria: Ambry Variant Classification Scheme 2023. Collection method: clinical testing. Allele origin: germline.

NM_000302.4(PLOD1):c.1689G>A (p.Glu563=)

Gene: PLOD1 (procollagen-lysine,2-oxoglutarate 5-dioxygenase 1; plus strand). Cytogenetic location: 1p36.22.
Variant type: single nucleotide variant.
Coding change: c.1689G>A on transcript NM_000302.4 (MANE Select); coding-DNA position 1689, G replaced by A.
Protein change: p.Glu563=; no amino-acid change (glutamic acid 563 retained).
Molecular consequence: synonymous variant.
Genome position (GRCh38, 1-based): chr1:11,967,025, G>A. VCF-style: chr1-11967025-G-A. GRCh37 (hg19) VCF-style: chr1-12027082-G-A.
Other names: c.1830G>A, p.Glu610= (NM_001316320.2).
Identifiers: ClinVar variation 459814 (VCV000459814.14), dbSNP rs139230801, ClinGen allele CA598520.